The following is an entry in ClinVar:

NM_182914.3(SYNE2):c.476T>C (p.Val159Ala)

Gene: SYNE2 (spectrin repeat containing nuclear envelope protein 2; plus strand). Cytogenetic location: 14q23.2.
Variant type: single nucleotide variant.
Coding change: c.476T>C on transcript NM_182914.3 (MANE Select); coding-DNA position 476, T replaced by C.
Protein change: p.Val159Ala; replaces valine 159 with alanine.
Molecular consequence: missense variant.
Genome position (GRCh38, 1-based): chr14:63,949,892, T>C. VCF-style: chr14-63949892-T-C. GRCh37 (hg19) VCF-style: chr14-64416610-T-C.
Other names: c.476T>C, p.Val159Ala (NM_015180.6); short protein forms V159A.
Identifiers: ClinVar variation 2981623 (VCV002981623.3), dbSNP rs2550594970, ClinGen allele CA389938973.
Genomic context (GRCh38, chr14:63,949,892, plus strand): 5'-AGCTTGCCCAGACTCTTTCTTGCAATTACAATCAGCCTTCCCTGGATGATGTGAGTGTGG[T>C]TGACTCATCTCCTGCCTCAAGTCCTCCAGCTAAGAAATGCTCTAAAGTGCAAGCAAGATG-3'
Protein context (NP_878918.2, residues 149-169): NQPSLDDVSV[Val159Ala]DSSPASSPPA

ClinVar aggregate classification (germline): Uncertain significance (1 of 4 stars; one submission).

Conditions:
Emery-Dreifuss muscular dystrophy 5, autosomal dominant (EDMD5). Also called: EMERY-DREIFUSS MUSCULAR DYSTROPHY 5. Identifiers: Orphanet 261, MedGen C2751805, MONDO:0013072, OMIM 612999.

Allele frequency attached by ClinVar (database versions not stated): gnomAD exomes below 0.00001.
gnomAD v4.1: 2 of 1,614,186 alleles (0.00012%); highest among the groups gnomAD compares: South Asian, 0.0011%; no homozygotes.

Submission:

Labcorp Genetics (formerly Invitae), Labcorp
Classification: Uncertain significance for Emery-Dreifuss muscular dystrophy 5, autosomal dominant. Last evaluated: 2024-01-11. Review status: criteria provided, single submitter. Criteria: Invitae Variant Classification Sherloc (09022015). Collection method: clinical testing. Allele origin: germline.
Comment: This sequence change replaces valine, which is neutral and non-polar, with alanine, which is neutral and non-polar, at codon 159 of the SYNE2 protein (p.Val159Ala). This variant is not present in population databases (gnomAD no frequency). This variant has not been reported in the literature in individuals affected with SYNE2-related conditions. Algorithms developed to predict the effect of missense changes on protein structure and function output the following: SIFT: "Not Available"; PolyPhen-2: "Benign"; Align-GVGD: "Not Available". The alanine amino acid residue is found in multiple mammalian species, which suggests that this missense change does not adversely affect protein function. In summary, the available evidence is currently insufficient to determine the role of this variant in disease. Therefore, it has been classified as a Variant of Uncertain Significance.